The following is an entry in ClinVar:

NM_000548.5(TSC2):c.2608G>A (p.Ala870Thr)

Gene: TSC2 (TSC complex subunit 2; plus strand). Cytogenetic location: 16p13.3.
Variant type: single nucleotide variant.
Coding change: c.2608G>A on transcript NM_000548.5 (MANE Select); coding-DNA position 2608, G replaced by A.
Protein change: p.Ala870Thr; replaces alanine 870 with threonine.
Molecular consequence: missense variant.
Genome position (GRCh38, 1-based): chr16:2,075,861, G>A. VCF-style: chr16-2075861-G-A. GRCh37 (hg19) VCF-style: chr16-2125862-G-A.
Other names: c.2608G>A, p.Ala870Thr (NM_001077183.3, NM_001114382.3, NM_001363528.2 and 3 more transcripts); c.2497G>A, p.Ala833Thr (NM_001318827.2); c.2461G>A, p.Ala821Thr (NM_001318829.2); c.2008G>A, p.Ala670Thr (NM_001318831.2); c.2641G>A, p.Ala881Thr (NM_001318832.2); short protein forms A821T, A833T, A670T, A881T, A870T.
Identifiers: ClinVar variation 821541 (VCV000821541.12), dbSNP rs1060500975, ClinGen allele CA394278426.

ClinVar aggregate classification (germline): Uncertain significance. Review status: criteria provided, multiple submitters, no conflicts (2 of 4 stars). 3 submissions from 3 submitters: Uncertain significance (3). Last evaluated 2024-04-25.

Conditions:
Isolated focal cortical dysplasia type II (FCORD2). Also called: Focal cortical dysplasia type II; CORTICAL DYSPLASIA OF TAYLOR. Identifiers: Orphanet 268994, MedGen C1846385, MONDO:0011818, OMIM 607341, HP:0032051.
Tuberous sclerosis 2 (TSC2). Identifiers: Orphanet 805, MedGen C1860707, MONDO:0013199, OMIM 613254.
Hereditary cancer-predisposing syndrome. Also called: Hereditary Cancer Syndrome; Neoplastic Syndromes, Hereditary; Hereditary neoplastic syndrome; Tumor predisposition. Identifiers: Orphanet 140162, MedGen C0027672, MeSH D009386, MONDO:0015356.

Allele frequency attached by ClinVar (database versions not stated): gnomAD exomes below 0.00001; TOPMed below 0.00001.

Submissions (3):

Ambry Genetics
Classification: Uncertain significance for Hereditary cancer-predisposing syndrome. Last evaluated: 2024-04-25. Review status: criteria provided, single submitter. Criteria: Ambry Variant Classification Scheme 2023. Collection method: clinical testing. Allele origin: germline.
Comment: The p.A870T variant (also known as c.2608G>A), located in coding exon 22 of the TSC2 gene, results from a G to A substitution at nucleotide position 2608. The alanine at codon 870 is replaced by threonine, an amino acid with similar properties. This amino acid position is highly conserved in available vertebrate species. In addition, this alteration is predicted to be deleterious by in silico analysis. Since supporting evidence is limited at this time, the clinical significance of this alteration remains unclear.

Labcorp Genetics (formerly Invitae), Labcorp
Classification: Uncertain significance for Tuberous sclerosis 2. Last evaluated: 2024-03-11. Review status: criteria provided, single submitter. Criteria: Invitae Variant Classification Sherloc (09022015). Collection method: clinical testing. Allele origin: germline.
Comment: This sequence change replaces alanine, which is neutral and non-polar, with threonine, which is neutral and polar, at codon 870 of the TSC2 protein (p.Ala870Thr). This variant is not present in population databases (gnomAD no frequency). This variant has not been reported in the literature in individuals affected with TSC2-related conditions. ClinVar contains an entry for this variant (Variation ID: 821541). Advanced modeling of protein sequence and biophysical properties (such as structural, functional, and spatial information, amino acid conservation, physicochemical variation, residue mobility, and thermodynamic stability) performed at Invitae indicates that this missense variant is not expected to disrupt TSC2 protein function with a negative predictive value of 95%. This variant disrupts the p.Ala870 amino acid residue in TSC2. Other variant(s) that disrupt this residue have been determined to be pathogenic (Invitae). This suggests that this residue is clinically significant, and that variants that disrupt this residue are likely to be disease-causing. In summary, the available evidence is currently insufficient to determine the role of this variant in disease. Therefore, it has been classified as a Variant of Uncertain Significance.

Baylor Genetics
Classification: Uncertain significance for Isolated focal cortical dysplasia type II. Last evaluated: 2023-09-08. Review status: criteria provided, single submitter. Criteria: ACMG Guidelines, 2015. Collection method: clinical testing. Allele origin: unknown.